The following is an entry in ClinVar:

NM_005902.4(SMAD3):c.787C>T (p.Pro263Ser)

Gene: SMAD3 (SMAD family member 3; plus strand). Cytogenetic location: 15q22.33.
Variant type: single nucleotide variant.
Coding change: c.787C>T on transcript NM_005902.4 (MANE Select); coding-DNA position 787, C replaced by T.
Protein change: p.Pro263Ser; replaces proline 263 with serine.
Molecular consequence: missense variant.
Genome position (GRCh38, 1-based): chr15:67,181,369, C>T. VCF-style: chr15-67181369-C-T. GRCh37 (hg19) VCF-style: chr15-67473707-C-T.
Other names: c.472C>T, p.Pro158Ser (NM_001145102.2); c.655C>T, p.Pro219Ser (NM_001145103.2); c.202C>T, p.Pro68Ser (NM_001145104.2); short protein forms P263S, P158S, P68S, P219S.
Identifiers: ClinVar variation 477579 (VCV000477579.13), dbSNP rs863223739, ClinGen allele CA392956266.

ClinVar aggregate classification (germline): Conflicting classifications of pathogenicity. Review status: criteria provided, conflicting classifications (1 of 4 stars). 2 submissions from 2 submitters: Pathogenic (1); Uncertain significance (1). Last evaluated 2024-11-18.

Conditions:
Aneurysm-osteoarthritis syndrome. Also called: SMAD3-Related Loeys-Dietz Syndrome; ANEURYSMS-OSTEOARTHRITIS SYNDROME; LOEYS-DIETZ SYNDROME WITH OSTEOARTHRITIS; Loeys-Dietz syndrome, type 1C. Identifiers: Orphanet 284984, MedGen C3151087, MONDO:0013426, OMIM 613795.
Familial thoracic aortic aneurysm and aortic dissection (TAAD). Also called: Thoracic aortic aneurysms and dissections. Identifiers: Orphanet 91387, MedGen C4707243, MONDO:0019625.

Submissions (2):

Labcorp Genetics (formerly Invitae), Labcorp
Classification: Pathogenic for Familial thoracic aortic aneurysm and aortic dissection. Last evaluated: 2024-11-18. Review status: criteria provided, single submitter. Criteria: Invitae Variant Classification Sherloc (09022015). Collection method: clinical testing. Allele origin: germline.
Comment: This sequence change replaces proline, which is neutral and non-polar, with serine, which is neutral and polar, at codon 263 of the SMAD3 protein (p.Pro263Ser). This variant is not present in population databases (gnomAD no frequency). This missense change has been observed in individual(s) with clinical features of SMAD3-related conditions (internal data). It has also been observed to segregate with disease in related individuals. ClinVar contains an entry for this variant (Variation ID: 477579). Invitae Evidence Modeling incorporating data from in vitro experimental studies (internal data) indicates that this missense variant is expected to disrupt SMAD3 function with a positive predictive value of 95%. This variant disrupts the p.Pro263 amino acid residue in SMAD3. Other variant(s) that disrupt this residue have been determined to be pathogenic (PMID: 30661052). This suggests that this residue is clinically significant, and that variants that disrupt this residue are likely to be disease-causing. For these reasons, this variant has been classified as Pathogenic.

Center for Genomics, Ann and Robert H. Lurie Children's Hospital of Chicago
Classification: Uncertain significance for Aneurysm-osteoarthritis syndrome. Last evaluated: 2021-03-30. Review status: criteria provided, single submitter. Criteria: ACMG Guidelines, 2015. Collection method: clinical testing. Allele origin: germline.
Comment: SMAD3 NM_005902.3 exon 6 p.Pro263Ser (c.787C>T): This variant has not been reported in the literature and is not present in large control databases. This variant is present in ClinVar (Variation ID:477579). Evolutionary conservation and computational predictive tools suggest that this variant may impact the protein. In summary, data on this variant is insufficient for disease classification. Therefore, the clinical significance of this variant is uncertain.

Literature cited by the submitters: PubMed 30661052 (cited by Labcorp Genetics (formerly Invitae), Labcorp).